The following is an entry in ClinVar:

ClinVar aggregate classification (germline): Uncertain significance. Review status: criteria provided, multiple submitters, no conflicts (2 of 4 stars). 3 submissions from 3 submitters: Uncertain significance (3). Last evaluated 2025-09-23.

Conditions:
Cardiovascular phenotype. Identifiers: MedGen CN230736.
Hypercholesterolemia, autosomal dominant, type B (FHCL2). Also called: APOB-Related Familial Hypercholesterolemia, Autosomal Dominant; Hyperlipoproteinemia Type IIb; Familial Hypercholesterolemia Type B; APOLIPOPROTEIN B-100, FAMILIAL DEFECTIVE; APOLIPOPROTEIN B-100, FAMILIAL LIGAND-DEFECTIVE; Familial hypercholesterolemia 2. Identifiers: MedGen C1704417, MONDO:0007751, OMIM 144010.
Familial hypobetalipoproteinemia 1. Also called: APOB-Related Familial Hypobetalipoproteinemia; Hypobetalipoproteinemia, normotriglyceridemic; Acanthocytosis with hypobetalipoproteinemia. Identifiers: MedGen C4551990, MONDO:0014252, OMIM 615558.

Allele frequency attached by ClinVar (database versions not stated): gnomAD exomes below 0.00001 and 0.00001; TOPMed 0.00002; gnomAD 0.00003; 1000 Genomes Project 30x 0.00016; 1000 Genomes Project 0.00020.

Submissions (3):

Labcorp Genetics (formerly Invitae), Labcorp
Classification: Uncertain significance for Familial hypobetalipoproteinemia 1; Hypercholesterolemia, autosomal dominant, type B. Last evaluated: 2025-09-23. Review status: criteria provided, single submitter. Criteria: Invitae Variant Classification Sherloc (09022015). Collection method: clinical testing. Allele origin: germline.
Comment: This sequence change replaces glutamic acid, which is acidic and polar, with lysine, which is basic and polar, at codon 4050 of the APOB protein (p.Glu4050Lys). This variant is not present in population databases (gnomAD no frequency). This variant has not been reported in the literature in individuals affected with APOB-related conditions. ClinVar contains an entry for this variant (Variation ID: 619613). Invitae Evidence Modeling of protein sequence and biophysical properties (such as structural, functional, and spatial information, amino acid conservation, physicochemical variation, residue mobility, and thermodynamic stability) indicates that this missense variant is not expected to disrupt APOB protein function with a negative predictive value of 95%. In summary, the available evidence is currently insufficient to determine the role of this variant in disease. Therefore, it has been classified as a Variant of Uncertain Significance.

Ambry Genetics
Classification: Uncertain significance for Cardiovascular phenotype. Last evaluated: 2025-07-21. Review status: criteria provided, single submitter. Criteria: Ambry Variant Classification Scheme 2023. Collection method: clinical testing. Allele origin: germline.
Comment: The p.E4050K variant (also known as c.12148G>A), located in coding exon 29 of the APOB gene, results from a G to A substitution at nucleotide position 12148. The glutamic acid at codon 4050 is replaced by lysine, an amino acid with similar properties. This amino acid position is not well conserved in available vertebrate species, and lysine is the reference amino acid in other vertebrate species. In addition, this alteration is predicted to be tolerated by in silico analysis. Since supporting evidence is limited at this time, the clinical significance of this alteration remains unclear.

Quest Diagnostics Nichols Institute San Juan Capistrano
Classification: Uncertain significance. Last evaluated: 2018-08-14. Review status: criteria provided, single submitter. Criteria: Quest Diagnostics criteria. Collection method: clinical testing. Allele origin: germline.

NM_000384.3(APOB):c.12148G>A (p.Glu4050Lys)

Gene: APOB (apolipoprotein B; minus strand). Cytogenetic location: 2p24.1.
Variant type: single nucleotide variant.
Coding change: c.12148G>A on transcript NM_000384.3 (MANE Select); coding-DNA position 12148, G replaced by A.
Protein change: p.Glu4050Lys; replaces glutamic acid 4050 with lysine.
Molecular consequence: missense variant.
Genome position (GRCh38, 1-based): chr2:21,003,274, C>T on the plus strand (G>A on the coding strand, the complement: APOB is on the minus strand). VCF-style: chr2-21003274-C-T. GRCh37 (hg19) VCF-style: chr2-21226146-C-T.
Other names: short protein forms E4050K.
Identifiers: ClinVar variation 619613 (VCV000619613.11), dbSNP rs201448956, ClinGen allele CA43489420.
Genomic context (GRCh38, chr2:21,003,274, plus strand): 5'-GAGAGGTTAGCAAGCCAGAAGCTGCCTCTTCTTCCCAATTAACTTTGATCTGAGTTTCCT[C>T]ATCAGATTCCCGGACCCTCAACTCAGTTTTGAATATGGTGAGTTTTTTATCTGGAGAGGA-3'
Protein context (NP_000375.3, residues 4040-4060): KTELRVRESD[Glu4050Lys]ETQIKVNWEE